The following is an entry in ClinVar:

NM_005026.5(PIK3CD):c.1765G>T (p.Asp589Tyr)

Gene: PIK3CD (phosphatidylinositol-4,5-bisphosphate 3-kinase catalytic subunit delta; plus strand). Cytogenetic location: 1p36.22.
Variant type: single nucleotide variant.
Coding change: c.1765G>T on transcript NM_005026.5 (MANE Select); coding-DNA position 1765, G replaced by T.
Protein change: p.Asp589Tyr; replaces aspartic acid 589 with tyrosine.
Molecular consequence: missense variant.
Genome position (GRCh38, 1-based): chr1:9,721,202, G>T. VCF-style: chr1-9721202-G-T. GRCh37 (hg19) VCF-style: chr1-9781260-G-T.
Other names: c.1762G>T, p.Asp588Tyr (NM_001350234.2); c.1678G>T, p.Asp560Tyr (NM_001350235.1); short protein forms D589Y, D560Y, D588Y.
Identifiers: ClinVar variation 1430863 (VCV001430863.8), dbSNP rs371700599, ClinGen allele CA17780645.

ClinVar aggregate classification (germline): Uncertain significance (1 of 4 stars; one submission).

Conditions:
Immunodeficiency 14 (IMD14A). Also called: ACTIVATED PI3K-DELTA SYNDROME 1; Activated PI3K Delta Syndrome Type 1 (APDS1); p110-DELTA-ACTIVATING MUTATION CAUSING SENESCENT T CELLS, LYMPHADENOPATHY, AND IMMUNODEFICIENCY; IMMUNODEFICIENCY 14A WITH LYMPHOPROLIFERATION, AUTOSOMAL DOMINANT. Identifiers: Orphanet 397596, Orphanet 693661, MedGen C5907821, MONDO:0014222, OMIM 615513.

Allele frequency attached by ClinVar (database versions not stated): gnomAD 0.00001; ESP Exome Variant Server 0.00008.
gnomAD v4.1: 3 of 1,613,294 alleles (0.00019%); highest among the groups gnomAD compares: African/African-American, 0.0013%; no homozygotes.

Submission:

Labcorp Genetics (formerly Invitae), Labcorp
Classification: Uncertain significance for Activated PI3K-delta syndrome. Last evaluated: 2025-03-10. Review status: criteria provided, single submitter. Criteria: Invitae Variant Classification Sherloc (09022015). Collection method: clinical testing. Allele origin: germline.
Comment: This sequence change replaces aspartic acid, which is acidic and polar, with tyrosine, which is neutral and polar, at codon 589 of the PIK3CD protein (p.Asp589Tyr). This variant is not present in population databases (gnomAD no frequency). This variant has not been reported in the literature in individuals affected with PIK3CD-related conditions. ClinVar contains an entry for this variant (Variation ID: 1430863). Invitae Evidence Modeling of protein sequence and biophysical properties (such as structural, functional, and spatial information, amino acid conservation, physicochemical variation, residue mobility, and thermodynamic stability) indicates that this missense variant is expected to disrupt PIK3CD protein function with a positive predictive value of 80%. In summary, the available evidence is currently insufficient to determine the role of this variant in disease. Therefore, it has been classified as a Variant of Uncertain Significance.